The following is an entry in ClinVar:

ClinVar aggregate classification (germline): Uncertain significance. Review status: criteria provided, multiple submitters, no conflicts (2 of 4 stars). 3 submissions from 3 submitters: Uncertain significance (3). Last evaluated 2025-12-15.

Conditions:
Cardiovascular phenotype. Identifiers: MedGen CN230736.
Dilated cardiomyopathy 1J (CMD1J). Also called: CARDIOMYOPATHY, DILATED, WITH SENSORINEURAL HEARING LOSS, AUTOSOMAL DOMINANT. Identifiers: Orphanet 217622, MedGen C1854368, MONDO:0011541, OMIM 605362.

Allele frequency attached by ClinVar (database versions not stated): gnomAD exomes below 0.00001 and 0.00001; ExAC 0.00002; gnomAD 0.00002; TOPMed 0.00002.
gnomAD v4.1: 9 of 1,613,718 alleles (0.00056%); highest among the groups gnomAD compares: African/African-American, 0.0053%; no homozygotes.

Submissions (3):

Labcorp Genetics (formerly Invitae), Labcorp
Classification: Uncertain significance for Dilated cardiomyopathy 1J. Last evaluated: 2025-12-15. Review status: criteria provided, single submitter. Criteria: Invitae Variant Classification Sherloc (09022015). Collection method: clinical testing. Allele origin: germline.
Comment: This sequence change replaces proline, which is neutral and non-polar, with leucine, which is neutral and non-polar, at codon 235 of the EYA4 protein (p.Pro235Leu). This variant is present in population databases (rs765608642, gnomAD 0.01%). This variant has not been reported in the literature in individuals affected with EYA4-related conditions. ClinVar contains an entry for this variant (Variation ID: 1035969). Invitae Evidence Modeling of protein sequence and biophysical properties (such as structural, functional, and spatial information, amino acid conservation, physicochemical variation, residue mobility, and thermodynamic stability) indicates that this missense variant is not expected to disrupt EYA4 protein function with a negative predictive value of 80%. In summary, the available evidence is currently insufficient to determine the role of this variant in disease. Therefore, it has been classified as a Variant of Uncertain Significance.

Women's Health and Genetics/Laboratory Corporation of America, LabCorp
Classification: Uncertain significance. Last evaluated: 2023-01-29. Review status: criteria provided, single submitter. Criteria: LabCorp Variant Classification Summary - May 2015. Collection method: clinical testing. Allele origin: germline.

Ambry Genetics
Classification: Uncertain significance for Cardiovascular phenotype. Last evaluated: 2022-11-27. Review status: criteria provided, single submitter. Criteria: Ambry Variant Classification Scheme 2023. Collection method: clinical testing. Allele origin: germline.
Comment: The p.P235L variant (also known as c.704C>T), located in coding exon 8 of the EYA4 gene, results from a C to T substitution at nucleotide position 704. The proline at codon 235 is replaced by leucine, an amino acid with similar properties. This alteration has been reported as a secondary cardiac variant in an exome cohort (Ng D et al. Circ Cardiovasc Genet, 2013 Aug;6:337-46). This amino acid position is not well conserved in available vertebrate species. In addition, the in silico prediction for this alteration is inconclusive. Since supporting evidence is limited at this time, the clinical significance of this alteration remains unclear.

Literature cited by the submitters: PubMed 23861362 (cited by Ambry Genetics).

NM_004100.5(EYA4):c.704C>T (p.Pro235Leu)

Gene: EYA4 (EYA transcriptional coactivator and phosphatase 4; plus strand). Cytogenetic location: 6q23.2.
Variant type: single nucleotide variant.
Coding change: c.704C>T on transcript NM_004100.5 (MANE Select); coding-DNA position 704, C replaced by T.
Protein change: p.Pro235Leu; replaces proline 235 with leucine.
Molecular consequence: missense variant.
Genome position (GRCh38, 1-based): chr6:133,462,744, C>T. VCF-style: chr6-133462744-C-T. GRCh37 (hg19) VCF-style: chr6-133783882-C-T.
Other names: c.542C>T, p.Pro181Leu (NM_001301012.2, NM_001370459.1); c.704C>T, p.Pro235Leu (NM_001301013.2, NM_172105.4); c.635C>T, p.Pro212Leu (NM_001370458.1, NM_172103.4); short protein forms P212L, P235L, P181L.
Identifiers: ClinVar variation 1035969 (VCV001035969.13), dbSNP rs765608642, ClinGen allele CA4008131.